The following is an entry in ClinVar:

NM_001365088.1(SLC12A6):c.3G>A (p.Met1Ile)

Gene: SLC12A6 (solute carrier family 12 member 6; minus strand). Cytogenetic location: 15q14.
Variant type: single nucleotide variant.
Coding change: c.3G>A on transcript NM_001365088.1 (MANE Select); coding-DNA position 3, G replaced by A.
Protein change: p.Met1Ile; changes the start codon (methionine 1).
Molecular consequence: missense variant, initiator codon variant. On other transcripts: intron variant (3).
Genome position (GRCh38, 1-based): chr15:34,336,678, C>T on the plus strand (G>A on the coding strand, the complement: SLC12A6 is on the minus strand). VCF-style: chr15-34336678-C-T. GRCh37 (hg19) VCF-style: chr15-34628879-C-T.
Other names: c.3G>A, p.Met1Ile (NM_001042497.2, NM_133647.2); c.-98-77G>A (NM_001042495.2, NM_001042494.2); c.-14-11G>A (NM_001042496.2); short protein forms M1I.
Identifiers: ClinVar variation 556107 (VCV000556107.8), dbSNP rs759559343, ClinGen allele CA7464733.

ClinVar aggregate classification (germline): Uncertain significance. Review status: criteria provided, single submitter (1 of 4 stars). 2 submissions from 2 submitters: Uncertain significance (1). 1 of the submissions does not count toward it. Last evaluated 2024-08-22.

Conditions:
Agenesis of the corpus callosum with peripheral neuropathy (ACCPN). Also called: Hereditary Motor and Sensory Neuropathy with Agenesis of the Corpus Callosum; CHARLEVOIX DISEASE; POLYNEUROPATHY, SENSORIMOTOR, WITH OR WITHOUT AGENESIS OF THE CORPUS CALLOSUM; HMSN/ACC. Identifiers: Orphanet 1496, MedGen C0795950, MONDO:0000902, OMIM 218000. Disease mechanism: loss of function.

Allele frequency attached by ClinVar (database versions not stated): gnomAD 0.00001; gnomAD exomes 0.00001; ExAC 0.00002; TOPMed 0.00002.

Submissions (2):

Labcorp Genetics (formerly Invitae), Labcorp
Classification: Uncertain significance. Last evaluated: 2024-08-22. Review status: criteria provided, single submitter. Criteria: Invitae Variant Classification Sherloc (09022015). Collection method: clinical testing. Allele origin: germline.
Comment: This sequence change affects the initiator methionine of the SLC12A6 mRNA. The next in-frame methionine is located at codon 10. This variant is present in population databases (rs759559343, gnomAD 0.004%). This variant has not been reported in the literature in individuals affected with SLC12A6-related conditions. ClinVar contains an entry for this variant (Variation ID: 556107). Experimental studies and prediction algorithms are not available or were not evaluated, and the functional significance of this variant is currently unknown. In summary, the available evidence is currently insufficient to determine the role of this variant in disease. Therefore, it has been classified as a Variant of Uncertain Significance.

Counsyl
Classification: Uncertain significance for Agenesis of the corpus callosum with peripheral neuropathy. Last evaluated: 2018-01-12. Review status: no assertion criteria provided. Collection method: clinical testing. Allele origin: unknown. Not counted in ClinVar's aggregate classification.